The following is an entry in ClinVar:

NM_004608.4(TBX6):c.609C>A (p.Asp203Glu)

Gene: TBX6 (T-box transcription factor 6; minus strand). Cytogenetic location: 16p11.2.
Variant type: single nucleotide variant.
Coding change: c.609C>A on transcript NM_004608.4 (MANE Select); coding-DNA position 609, C replaced by A.
Protein change: p.Asp203Glu; replaces aspartic acid 203 with glutamic acid.
Molecular consequence: missense variant.
Genome position (GRCh38, 1-based): chr16:30,088,955, G>T on the plus strand (C>A on the coding strand, the complement: TBX6 is on the minus strand). VCF-style: chr16-30088955-G-T. GRCh37 (hg19) VCF-style: chr16-30100276-G-T.
Other names: short protein forms D203E.
Identifiers: ClinVar variation 3602217 (VCV003602217.1).

ClinVar aggregate classification (germline): Uncertain significance (1 of 4 stars; one submission).

Submission:

GeneDx
Classification: Uncertain significance. Last evaluated: 2024-07-31. Review status: criteria provided, single submitter. Criteria: GeneDx Variant Classification Process June 2021. Collection method: clinical testing. Allele origin: germline. Affected: yes.
Comment: Not observed at significant frequency in large population cohorts (gnomAD); In silico analysis supports that this missense variant has a deleterious effect on protein structure/function; Has not been previously published as pathogenic or benign to our knowledge